The following is an entry in ClinVar:

NM_017721.5(CC2D1A):c.2687del (p.Gln896fs)

Gene: CC2D1A (coiled-coil and C2 domain containing 1A; plus strand). Cytogenetic location: 19p13.12.
Variant type: Deletion.
Coding change: c.2687del on transcript NM_017721.5 (MANE Select); coding-DNA position 2687, one base deleted (A; older notation c.2687delA).
Protein change: p.Gln896fs; shifts the reading frame from glutamine 896.
Molecular consequence: frameshift variant.
Genome position (GRCh38, 1-based): chr19:13,929,637, A deleted. VCF-style (leftmost placement, unchanged base first): chr19-13929636-CA-C. GRCh37 (hg19) VCF-style: chr19-14040449-CA-C.
Other names: c.2684del, p.Gln895fs (NM_001411138.1); short protein forms Q895fs, Q896fs.
Identifiers: ClinVar variation 5005941 (VCV005005941.2).
Genomic context (GRCh38, chr19:13,929,636, plus strand): 5'-GTGGCCCAGCAGTACCAGGACATCATGCAACGCAGCCAGTGGCAGAGGGCACAGCTGGAG[CA>C]GGGGGGTGTGGGCATCCGACGGGGTAGGGGTTTGGAGATGGGCATCTGGTGGGGGAGGAG-3'

ClinVar aggregate classification (germline): Uncertain significance (1 of 4 stars; one submission).

Conditions:
Intellectual developmental disorder, autosomal recessive 3. Also called: Intellectual disability, autosomal recessive 3. Identifiers: Orphanet 88616, MedGen C1838023, MONDO:0012037, OMIM 608443.

Submission:

Juno Genomics, Hangzhou Juno Genomics, Inc
Classification: Uncertain significance for Intellectual developmental disorder, autosomal recessive 3. Review status: criteria provided, single submitter. Criteria: ACMG Guidelines, 2015. Collection method: clinical testing. Allele origin: germline.
Comment: Null variant in a gene where loss of function (LOF) is a known mechanism of disease.;Absent from controls (or at extremely low frequency if recessive) in Genome Aggregation Database.